The following is an entry in ClinVar:

ClinVar aggregate classification (germline): Pathogenic (1 of 4 stars; one submission).

Submission:

Labcorp Genetics (formerly Invitae), Labcorp
Classification: Pathogenic. Last evaluated: 2019-10-11. Review status: criteria provided, single submitter. Criteria: Invitae Variant Classification Sherloc (09022015). Collection method: clinical testing. Allele origin: germline.
Comment: A gross deletion of the genomic region encompassing the full coding sequence of the MERTK gene has been identified. The boundaries of this event are unknown as the deletion extends beyond the assayed region for this gene and therefore may encompass additional genes. Isolated whole-gene deletions of MERTK have not been reported in the literature. However, larger copy number events that include this gene have been reported (PMID: 30557390). Loss-of-function variants in MERTK are known to be pathogenic (PMID: 11592982, 19956407, 24265693, 26263531, 29659094). For these reasons, this variant has been classified as Pathogenic.

Literature cited by the submitters: PubMed 30557390.

NC_000002.12:g.(?_111850776)_(112028864_?)del

Genes: ANAPC1 (anaphase promoting complex subunit 1; minus strand), MERTK (MER proto-oncogene, tyrosine kinase; plus strand). Cytogenetic location: 2q13.
Variant type: Deletion.
Identifiers: ClinVar variation 832131 (VCV000832131.1).